The following is an entry in ClinVar:

NM_020950.2(KIAA1614):c.2938A>G (p.Thr980Ala)

Gene: KIAA1614 (KIAA1614; plus strand). Cytogenetic location: 1q25.3.
Variant type: single nucleotide variant.
Coding change: c.2938A>G on transcript NM_020950.2 (MANE Select); coding-DNA position 2938, A replaced by G.
Protein change: p.Thr980Ala; replaces threonine 980 with alanine.
Molecular consequence: missense variant.
Genome position (GRCh38, 1-based): chr1:180,941,064, A>G. VCF-style: chr1-180941064-A-G. GRCh37 (hg19) VCF-style: chr1-180910200-A-G.
Other names: short protein forms T980A.
Identifiers: ClinVar variation 2639604 (VCV002639604.24), dbSNP rs201945338, ClinGen allele CA1273667.

ClinVar aggregate classification (germline): Benign (1 of 4 stars; one submission).

Allele frequency attached by ClinVar (database versions not stated): 1000 Genomes Project 0.00619; 1000 Genomes Project 30x 0.00671; ESP Exome Variant Server 0.00764; TOPMed 0.00832; gnomAD 0.00853; ExAC 0.00855; gnomAD exomes 0.01165.
gnomAD v4.1: 15,296 of 1,338,658 alleles (1.1%); highest among the groups gnomAD compares: Middle Eastern, 2.2%; 108 homozygotes.

Submission:

CeGaT Center for Human Genetics Tuebingen
Classification: Benign. Last evaluated: 2022-12-01. Review status: criteria provided, single submitter. Criteria: CeGaT Center For Human Genetics Tuebingen Variant Classification Criteria Version 2. Collection method: clinical testing. Allele origin: germline. Affected: yes. Observed: 1 variant allele.
Comment: KIAA1614: BP4, BS1, BS2